The following is an entry in ClinVar:

NM_001283009.2(RTEL1):c.396-75C>T

Genes: RTEL1 (regulator of telomere elongation helicase 1; plus strand), RTEL1-TNFRSF6B (RTEL1-TNFRSF6B readthrough (NMD candidate); plus strand). Cytogenetic location: 20q13.33.
Variant type: single nucleotide variant.
Coding change: c.396-75C>T on transcript NM_001283009.2 (MANE Select); 75 bases into the intron before coding-DNA position 396, C replaced by T.
Molecular consequence: intron variant.
Genome position (GRCh38, 1-based): chr20:63,662,471, C>T. VCF-style: chr20-63662471-C-T. GRCh37 (hg19) VCF-style: chr20-62293824-C-T.
Other names: c.-274-75C>T (NM_001283010.1); c.396-3C>T (NM_032957.5); c.396-75C>T (NM_016434.4).
Identifiers: ClinVar variation 3053021 (VCV003053021.2), dbSNP rs748973647, ClinGen allele CA9964232.

ClinVar aggregate classification (germline): Likely benign (0 of 4 stars; one submission).

Conditions:
RTEL1-related disorder. Also called: RTEL1-related disorders; RTEL1-related condition.

Submission:

PreventionGenetics, part of Exact Sciences
Classification: Likely benign for RTEL1-related condition. Last evaluated: 2022-05-20. Review status: no assertion criteria provided. Collection method: clinical testing. Allele origin: germline.
Comment: This variant is classified as likely benign based on ACMG/AMP sequence variant interpretation guidelines (Richards et al. 2015 PMID: 25741868, with internal and published modifications).